The following is an entry in ClinVar:

ClinVar aggregate classification (germline): Conflicting classifications of pathogenicity. Review status: criteria provided, conflicting classifications (1 of 4 stars). 3 submissions from 3 submitters: Uncertain significance (2); Likely benign (1). Last evaluated 2025-08-29.

Conditions:
Cardiovascular phenotype. Identifiers: MedGen CN230736.
Dilated cardiomyopathy 1DD (CMD1DD). Identifiers: Orphanet 154, MedGen C2750995, MONDO:0013168, OMIM 613172.

Allele frequency attached by ClinVar (database versions not stated): gnomAD exomes 0.00001; gnomAD 0.00002; TOPMed 0.00004.
gnomAD v4.1: 26 of 1,551,504 alleles (0.0017%); highest among the groups gnomAD compares: Non-Finnish European, 0.00096%; no homozygotes.

Submissions (3):

Labcorp Genetics (formerly Invitae), Labcorp
Classification: Likely benign for Dilated cardiomyopathy 1DD. Last evaluated: 2025-08-29. Review status: criteria provided, single submitter. Criteria: Invitae Variant Classification Sherloc (09022015). Collection method: clinical testing. Allele origin: germline.

Blueprint Genetics
Classification: Uncertain significance. Last evaluated: 2021-06-21. Review status: criteria provided, single submitter. Criteria: ACMG Guidelines, 2015. Collection method: clinical testing. Allele origin: germline.

Ambry Genetics
Classification: Uncertain significance for Cardiovascular phenotype. Last evaluated: 2021-04-08. Review status: criteria provided, single submitter. Criteria: Ambry Variant Classification Scheme 2023. Collection method: clinical testing. Allele origin: germline.
Comment: The p.R666Q variant (also known as c.1997G>A), located in coding exon 9 of the RBM20 gene, results from a G to A substitution at nucleotide position 1997. The arginine at codon 666 is replaced by glutamine, an amino acid with highly similar properties. This alteration has been reported in an individual with familial dilated cardiomyopathy (Janin A et al. Clin. Genet., 2017 Dec;92:616-623). This amino acid position is highly conserved in available vertebrate species. In addition, the in silico prediction for this alteration is inconclusive. Since supporting evidence is limited at this time, the clinical significance of this alteration remains unclear.

Literature cited by the submitters: PubMed 28436997 (cited by Ambry Genetics).

NM_001134363.3(RBM20):c.1997G>A (p.Arg666Gln)

Gene: RBM20 (RNA binding motif protein 20; plus strand). Cytogenetic location: 10q25.2.
Variant type: single nucleotide variant.
Coding change: c.1997G>A on transcript NM_001134363.3 (MANE Select); coding-DNA position 1997, G replaced by A.
Protein change: p.Arg666Gln; replaces arginine 666 with glutamine.
Molecular consequence: missense variant.
Genome position (GRCh38, 1-based): chr10:110,812,394, G>A. VCF-style: chr10-110812394-G-A. GRCh37 (hg19) VCF-style: chr10-112572152-G-A.
Other names: short protein forms R666Q.
Identifiers: ClinVar variation 1784074 (VCV001784074.8), dbSNP rs202011408, ClinGen allele CA213223665.